The following is an entry in ClinVar:

ClinVar aggregate classification (germline): Uncertain significance. Review status: criteria provided, multiple submitters, no conflicts (2 of 4 stars). 3 submissions from 3 submitters: Uncertain significance (2). 1 of the submissions does not count toward it. Last evaluated 2024-04-11.

Conditions:
PCNT-related disorder. Also called: PCNT-related condition.

gnomAD v4.1: 35 of 1,597,534 alleles (0.0022%); highest among the groups gnomAD compares: Middle Eastern, 0.021%; no homozygotes.

Submissions (3):

Labcorp Genetics (formerly Invitae), Labcorp
Classification: Uncertain significance. Last evaluated: 2024-04-11. Review status: criteria provided, single submitter. Criteria: Invitae Variant Classification Sherloc (09022015). Collection method: clinical testing. Allele origin: germline.
Comment: This sequence change replaces arginine, which is basic and polar, with histidine, which is basic and polar, at codon 2561 of the PCNT protein (p.Arg2561His). This variant is present in population databases (rs761765918, gnomAD 0.01%). This variant has not been reported in the literature in individuals affected with PCNT-related conditions. An algorithm developed to predict the effect of missense changes on protein structure and function (PolyPhen-2) suggests that this variant is likely to be disruptive. In summary, the available evidence is currently insufficient to determine the role of this variant in disease. Therefore, it has been classified as a Variant of Uncertain Significance.

GeneDx
Classification: Uncertain significance. Last evaluated: 2023-05-09. Review status: criteria provided, single submitter. Criteria: GeneDx Variant Classification Process June 2021. Collection method: clinical testing. Allele origin: germline. Affected: yes.
Comment: Not observed at significant frequency in large population cohorts (gnomAD); In silico analysis supports that this missense variant has a deleterious effect on protein structure/function; Missense variant in a gene in which most reported pathogenic variants are truncating/loss of function; Has not been previously published as pathogenic or benign to our knowledge

PreventionGenetics, part of Exact Sciences
Classification: Uncertain significance for PCNT-related condition. Last evaluated: 2024-01-31. Review status: no assertion criteria provided. Collection method: clinical testing. Allele origin: germline. Not counted in ClinVar's aggregate classification.
Comment: The PCNT c.7682G>A variant is predicted to result in the amino acid substitution p.Arg2561His. To our knowledge, this variant has not been reported in the literature. This variant is reported in 0.010% of alleles in individuals of Ashkenazi Jewish descent in gnomAD. At this time, the clinical significance of this variant is uncertain due to the absence of conclusive functional and genetic evidence.

NM_006031.6(PCNT):c.7682G>A (p.Arg2561His)

Gene: PCNT (pericentrin; plus strand). Cytogenetic location: 21q22.3.
Variant type: single nucleotide variant.
Coding change: c.7682G>A on transcript NM_006031.6 (MANE Select); coding-DNA position 7682, G replaced by A.
Protein change: p.Arg2561His; replaces arginine 2561 with histidine.
Molecular consequence: missense variant.
Genome position (GRCh38, 1-based): chr21:46,428,582, G>A. VCF-style: chr21-46428582-G-A. GRCh37 (hg19) VCF-style: chr21-47848496-G-A.
Other names: c.7328G>A, p.Arg2443His (NM_001315529.2); short protein forms R2443H, R2561H.
Identifiers: ClinVar variation 3038644 (VCV003038644.4), dbSNP rs761765918, ClinGen allele CA10080744.